The following is an entry in ClinVar:

NM_000036.3(AMPD1):c.1739C>A (p.Thr580Asn)

Gene: AMPD1 (adenosine monophosphate deaminase 1; minus strand). Cytogenetic location: 1p13.2.
Variant type: single nucleotide variant.
Coding change: c.1739C>A on transcript NM_000036.3 (MANE Select); coding-DNA position 1739, C replaced by A.
Protein change: p.Thr580Asn; replaces threonine 580 with asparagine.
Molecular consequence: missense variant.
Genome position (GRCh38, 1-based): chr1:114,674,813, G>T on the plus strand (C>A on the coding strand, the complement: AMPD1 is on the minus strand). VCF-style: chr1-114674813-G-T. GRCh37 (hg19) VCF-style: chr1-115217434-G-T.
Other names: c.1727C>A, p.Thr576Asn (NM_001172626.2); short protein forms T580N, T576N.
Identifiers: ClinVar variation 4690906 (VCV004690906.1).

ClinVar aggregate classification (germline): Uncertain significance (1 of 4 stars; one submission).

Conditions:
Muscle AMP deaminase deficiency (MMDD). Also called: Adenosine monophosphate deaminase 1 deficiency; AMP deaminase 1 deficiency; Adenosine Monophosphate Deaminase 1; Myoadenylate deaminase deficiency, myopathy due to; ADENOSINE MONOPHOSPHATE DEAMINASE-1 DEFICIENCY, MYOPATHY DUE TO; AMPD1 DEFICIENCY. Identifiers: Orphanet 45, MedGen C3714933, MONDO:0014220, OMIM 615511.

gnomAD v4.1: 15 of 1,613,828 alleles (0.00093%); highest among the groups gnomAD compares: South Asian, 0.016%; 1 homozygote.

Submission:

Labcorp Genetics (formerly Invitae), Labcorp
Classification: Uncertain significance for Muscle AMP deaminase deficiency. Last evaluated: 2025-10-22. Review status: criteria provided, single submitter. Criteria: Invitae Variant Classification Sherloc (09022015). Collection method: clinical testing. Allele origin: germline.
Comment: This sequence change replaces threonine, which is neutral and polar, with asparagine, which is neutral and polar, at codon 613 of the AMPD1 protein (p.Thr613Asn). This variant is present in population databases (rs773842146, gnomAD 0.03%). This variant has not been reported in the literature in individuals affected with AMPD1-related conditions. Invitae Evidence Modeling of protein sequence and biophysical properties (such as structural, functional, and spatial information, amino acid conservation, physicochemical variation, residue mobility, and thermodynamic stability) indicates that this missense variant is not expected to disrupt AMPD1 protein function with a negative predictive value of 80%. In summary, the available evidence is currently insufficient to determine the role of this variant in disease. Therefore, it has been classified as a Variant of Uncertain Significance.